The following is an entry in ClinVar:

NM_001306084.2(CFAP54):c.8644_8645del (p.Leu2882fs)

Gene: CFAP54 (cilia and flagella associated protein 54; plus strand). Cytogenetic location: 12q23.1.
Variant type: Microsatellite.
Coding change: c.8644_8645del on transcript NM_001306084.2 (MANE Select); coding-DNA positions 8644 to 8645, 2 bases deleted (CT; older notation c.8644_8645delCT).
Protein change: p.Leu2882fs; shifts the reading frame from leucine 2882.
Molecular consequence: frameshift variant.
Genome position (GRCh38, 1-based): chr12:96,786,863-96,786,864, CT deleted; deleting any 2 consecutive bases within chr12:96,786,861-96,786,864 gives the same sequence; the c. name uses the placement nearest the transcript's 3' end. VCF-style (leftmost placement, unchanged base first): chr12-96786860-CCT-C. GRCh37 (hg19) VCF-style: chr12-97180638-CCT-C.
Other names: c.8839_8840del, p.Leu2947fs (NM_001367885.1); c.8644_8645delCT (NM_001306084.2); short protein forms L2882fs, L2947fs.
Identifiers: ClinVar variation 4526608 (VCV004526608.3).

ClinVar aggregate classification (germline): Likely pathogenic. Review status: criteria provided, multiple submitters, no conflicts (2 of 4 stars). 2 submissions from 2 submitters: Likely pathogenic (2). Last evaluated 2025-04-18.

Conditions:
Spermatogenic failure 98. Identifiers: MedGen C6012703, MONDO:0700290, OMIM 621124.
Ciliary dyskinesia, primary, 54. Identifiers: MedGen C6012704, MONDO:0100607, OMIM 621125.

Submissions (2):

First Genomix Gene Laboratory, Genetic Diagnostics Department
Classification: Likely pathogenic for Ciliary dyskinesia, primary, 54; Spermatogenic failure 98. Last evaluated: 2025-04-18. Review status: criteria provided, single submitter. Criteria: ACMG Guidelines, 2015. Collection method: clinical testing. Allele origin: germline. Inheritance: Autosomal recessive inheritance. Affected: no. Observed: 1 variant allele.

Juno Genomics, Hangzhou Juno Genomics, Inc
Classification: Likely pathogenic for Spermatogenic failure 98; Ciliary dyskinesia, primary, 54. Review status: criteria provided, single submitter. Criteria: ACMG Guidelines, 2015. Collection method: clinical testing. Allele origin: germline.
Comment: Absent from controls (or at extremely low frequency if recessive) in Genome Aggregation Database.;Null variant in a gene where loss of function (LOF) is a known mechanism of disease.